The following is an entry in ClinVar:

NC_000022.11:g.40345513A>C

Gene: ADSL (adenylosuccinate lyase; plus strand). Cytogenetic location: 22q13.1.
Variant type: single nucleotide variant.
Genome position: GRCh38 VCF-style: chr22-40345513-A-C. GRCh37 (hg19) VCF-style: chr22-40741517-A-C.
Identifiers: ClinVar variation 1397309 (VCV001397309.3), dbSNP rs988634184, ClinGen allele CA324446207.
Genomic context (GRCh38, chr22:40,345,513, plus strand): 5'-GATTATAGGCGTGAGTCACCGTGCCCAGCTGAGACACCTGGCTCTTACAGCTCCAGATGA[A>C]CCCTTTCCTGTGTGATCACCCCACTGGCACTCCAGACTGAACAACATAGCAAGACCCTGT-3'

ClinVar aggregate classification (germline): Uncertain significance (1 of 4 stars; one submission).

Conditions:
Adenylosuccinate lyase deficiency (ADSLD). Also called: ADSL DEFICIENCY. Identifiers: Orphanet 46, MedGen C0268126, MONDO:0007068, OMIM 103050.

Allele frequency attached by ClinVar (database versions not stated): gnomAD 0.00013.

Submission:

Labcorp Genetics (formerly Invitae), Labcorp
Classification: Uncertain significance for Adenylosuccinate lyase deficiency. Last evaluated: 2022-08-16. Review status: criteria provided, single submitter. Criteria: Invitae Variant Classification Sherloc (09022015). Collection method: clinical testing. Allele origin: germline.
Comment: This variant occurs in a non-coding region of the ADSL gene. It does not change the encoded amino acid sequence of the ADSL protein. The frequency data for this variant in the population databases is considered unreliable, as metrics indicate insufficient coverage at this position in the gnomAD database. This variant has not been reported in the literature in individuals affected with ADSL-related conditions. Experimental studies and prediction algorithms are not available or were not evaluated, and the functional significance of this variant is currently unknown. In summary, the available evidence is currently insufficient to determine the role of this variant in disease. Therefore, it has been classified as a Variant of Uncertain Significance.